The following is an entry in ClinVar:

ClinVar aggregate classification (germline): Likely benign. Review status: criteria provided, multiple submitters, no conflicts (2 of 4 stars). 3 submissions from 3 submitters: Likely benign (2). 1 of the submissions does not count toward it. Last evaluated 2025-02-17.

Conditions:
KIF11-related disorder. Also called: KIF11-related condition.

Allele frequency attached by ClinVar (database versions not stated): gnomAD 0.00001; ExAC 0.00002; gnomAD exomes 0.00002; TOPMed 0.00002.
gnomAD v4.1: 33 of 1,611,242 alleles (0.002%); highest among the groups gnomAD compares: Non-Finnish European, 0.0028%; no homozygotes.

Submissions (3):

Labcorp Genetics (formerly Invitae), Labcorp
Classification: Likely benign. Last evaluated: 2025-02-17. Review status: criteria provided, single submitter. Criteria: Invitae Variant Classification Sherloc (09022015). Collection method: clinical testing. Allele origin: germline.

Blueprint Genetics
Classification: Likely benign. Last evaluated: 2024-06-17. Review status: criteria provided, single submitter. Criteria: ACMG Guidelines, 2015. Collection method: clinical testing. Allele origin: germline.

PreventionGenetics, part of Exact Sciences
Classification: Likely benign for KIF11-related condition. Last evaluated: 2024-06-12. Review status: no assertion criteria provided. Collection method: clinical testing. Allele origin: germline. Not counted in ClinVar's aggregate classification.
Comment: This variant is classified as likely benign based on ACMG/AMP sequence variant interpretation guidelines (Richards et al. 2015 PMID: 25741868, with internal and published modifications).

NM_004523.4(KIF11):c.1674C>T (p.Ala558=)

Gene: KIF11 (kinesin family member 11; plus strand). Cytogenetic location: 10q23.33.
Variant type: single nucleotide variant.
Coding change: c.1674C>T on transcript NM_004523.4 (MANE Select); coding-DNA position 1674, C replaced by T.
Protein change: p.Ala558=; no amino-acid change (alanine 558 retained).
Molecular consequence: synonymous variant.
Genome position (GRCh38, 1-based): chr10:92,632,665, C>T. VCF-style: chr10-92632665-C-T. GRCh37 (hg19) VCF-style: chr10-94392422-C-T.
Other names: c.1674C>T (NM_004523.3).
Identifiers: ClinVar variation 2196418 (VCV002196418.6), dbSNP rs765721226, ClinGen allele CA5604236.